The following is an entry in ClinVar:

ClinVar aggregate classification (germline): Likely pathogenic (1 of 4 stars; one submission).

Conditions:
Familial cancer of breast. Also called: BREAST CANCER, FAMILIAL; Hereditary breast cancer; hereditary breast carcinoma. Identifiers: Orphanet 227535, MedGen C0346153, MONDO:0016419, OMIM 114480. Disease mechanism: loss of function.

Submission:

Labcorp Genetics (formerly Invitae), Labcorp
Classification: Likely pathogenic for Familial cancer of breast. Last evaluated: 2022-04-08. Review status: criteria provided, single submitter. Criteria: Invitae Variant Classification Sherloc (09022015). Collection method: clinical testing. Allele origin: germline.
Comment: In summary, the currently available evidence indicates that the variant is pathogenic, but additional data are needed to prove that conclusively. Therefore, this variant has been classified as Likely Pathogenic. Algorithms developed to predict the effect of sequence changes on RNA splicing suggest that this variant may disrupt the consensus splice site. This variant has not been reported in the literature in individuals affected with CHEK2-related conditions. This variant is not present in population databases (gnomAD no frequency). This variant results in the deletion of part of exon 10 of the CHEK2 gene. It is expected to disrupt RNA splicing. Variants that disrupt the donor or acceptor splice site typically lead to a loss of protein function (PMID: 16199547), and loss-of-function variants in CHEK2 are known to be pathogenic (PMID: 21876083, 24713400).

Literature cited by the submitters: PubMed 16199547; PubMed 21876083; PubMed 24713400.

NM_007194.4(CHEK2):c.1009-2_1011del

Gene: CHEK2 (checkpoint kinase 2; minus strand). Cytogenetic location: 22q12.1.
Variant type: Deletion.
Coding change: c.1009-2_1011del on transcript NM_007194.4 (MANE Select); the canonical splice acceptor site of the intron before coding-DNA position 1009 through coding-DNA position 1011, 5 bases deleted (AGTAC; older notation c.1009-2_1011delAGTAC).
Molecular consequence: splice acceptor variant. On other transcripts: intron variant (3).
Genome position (GRCh38, 1-based): chr22:28,696,985-28,696,989, GTACT deleted on the plus strand (AGTAC on the coding strand, the reverse complement: CHEK2 is on the minus strand). VCF-style (leftmost placement, unchanged base first): chr22-28696984-GGTACT-G. GRCh37 (hg19) VCF-style: chr22-29092972-GGTACT-G.
Other names: c.346-2_348del (NM_001437942.1, NM_001257387.3); c.808-2_810del (NM_001349956.3); c.1009-1116_1009-1112del (NM_145862.3); c.1102-1116_1102-1112del (NM_001438295.1); c.1102-2_1104del (NM_001438293.1); c.1138-1116_1138-1112del (NM_001438294.1); c.1138-2_1140del (NM_001005735.3).
Identifiers: ClinVar variation 2123237 (VCV002123237.4), dbSNP rs2517823703, ClinGen allele CA2580099577.